The following is an entry in ClinVar:

ClinVar aggregate classification (germline): Likely benign. Review status: criteria provided, multiple submitters, no conflicts (2 of 4 stars). 3 submissions from 3 submitters: Likely benign (3). Last evaluated 2026-02-03.

Conditions:
Primary familial hypertrophic cardiomyopathy (HCM). Identifiers: Orphanet 99739, MedGen C0949658, MeSH D024741, MONDO:0024573. Inheritance: Various modes of inheritance.
Dilated cardiomyopathy 1AA (CMD1AA). Also called: Cardiomyopathy, dilated, 1AA, with or without LVNC; CARDIOMYOPATHY, DILATED, 1AA, WITH OR WITHOUT LEFT VENTRICULAR NONCOMPACTION; CARDIOMYOPATHY, FAMILIAL HYPERTROPHIC, 23, WITH OR WITHOUT LEFT VENTRICULAR NONCOMPACTION. Identifiers: Orphanet 154, MedGen C2677338, MONDO:0012808, OMIM 612158.

Allele frequency attached by ClinVar (database versions not stated): gnomAD exomes below 0.00001; TOPMed 0.00001.

Submissions (3):

Labcorp Genetics (formerly Invitae), Labcorp
Classification: Likely benign for Primary familial hypertrophic cardiomyopathy; Dilated cardiomyopathy 1AA. Last evaluated: 2026-02-03. Review status: criteria provided, single submitter. Criteria: Invitae Variant Classification Sherloc (09022015). Collection method: clinical testing. Allele origin: germline.

Blueprint Genetics
Classification: Likely benign. Last evaluated: 2023-03-30. Review status: criteria provided, single submitter. Criteria: ACMG Guidelines, 2015. Collection method: clinical testing. Allele origin: germline.

GeneDx
Classification: Likely benign. Last evaluated: 2016-10-26. Review status: criteria provided, single submitter. Criteria: GeneDx Variant Classification (06012015). Collection method: clinical testing. Allele origin: germline. Affected: yes.
Comment: This variant is considered likely benign or benign based on one or more of the following criteria: it is a conservative change, it occurs at a poorly conserved position in the protein, it is predicted to be benign by multiple in silico algorithms, and/or has population frequency not consistent with disease.

NM_001103.4(ACTN2):c.1557G>A (p.Leu519=)

Gene: ACTN2 (actinin alpha 2; plus strand). Cytogenetic location: 1q43.
Variant type: single nucleotide variant.
Coding change: c.1557G>A on transcript NM_001103.4 (MANE Select); coding-DNA position 1557, G replaced by A.
Protein change: p.Leu519=; no amino-acid change (leucine 519 retained).
Molecular consequence: synonymous variant.
Genome position (GRCh38, 1-based): chr1:236,749,165, G>A. VCF-style: chr1-236749165-G-A. GRCh37 (hg19) VCF-style: chr1-236912465-G-A.
Other names: c.1557G>A, p.Leu519= (NM_001278343.2); c.933G>A, p.Leu311= (NM_001278344.2).
Identifiers: ClinVar variation 390332 (VCV000390332.7), dbSNP rs1057523732, ClinGen allele CA16603605.